The following is an entry in ClinVar:

ClinVar aggregate classification (germline): Benign/Likely benign. Review status: criteria provided, multiple submitters, no conflicts (2 of 4 stars). 10 submissions from 10 submitters: Benign (5); Likely benign (4). 1 of the submissions does not count toward it. Last evaluated 2026-01-21.

Conditions:
Bone osteosarcoma. Also called: Osteosarcoma, somatic. Identifiers: Orphanet 668, MedGen C0585442, MONDO:0002629, OMIM 259500.
CHEK2-related cancer predisposition (TPDS4). Also called: CANCER PREDISPOSITION SYNDROME, CHEK2-RELATED; TUMOR PREDISPOSITION SYNDROME 4; CHEK2-related cancer susceptibility. Identifiers: Orphanet 524, MedGen C5882668, MONDO:0700271, OMIM 609265.
Prostate cancer. Also called: Malignant tumor of prostate. Identifiers: Orphanet 1331, MedGen C0376358, MONDO:0008315, HP:0012125.
Familial cancer of breast. Also called: hereditary breast carcinoma; BREAST CANCER, FAMILIAL; Hereditary breast cancer. Identifiers: Orphanet 227535, MedGen C0346153, MONDO:0016419, OMIM 114480. Disease mechanism: loss of function.
Colorectal cancer. Also called: Colorectal cancer, somatic; Malignant Colorectal Neoplasm. Identifiers: MedGen C0346629, MONDO:0005575, OMIM 114500.
Hereditary cancer-predisposing syndrome. Also called: Hereditary neoplastic syndrome; Hereditary Cancer Syndrome; Neoplastic Syndromes, Hereditary; Tumor predisposition. Identifiers: Orphanet 140162, MedGen C0027672, MeSH D009386, MONDO:0015356.

Allele frequency attached by ClinVar (database versions not stated): TOPMed 0.00011; gnomAD exomes 0.00027; ExAC 0.00039; gnomAD 0.00004.
gnomAD v4.1: 75 of 1,542,996 alleles (0.0049%); highest among the groups gnomAD compares: Admixed American, 0.13%; no homozygotes.

Submissions (10):

Labcorp Genetics (formerly Invitae), Labcorp
Classification: Benign for Familial cancer of breast. Last evaluated: 2026-01-21. Review status: criteria provided, single submitter. Criteria: Invitae Variant Classification Sherloc (09022015). Collection method: clinical testing. Allele origin: germline.

Quest Diagnostics Nichols Institute San Juan Capistrano
Classification: Likely benign. Last evaluated: 2025-11-08. Review status: criteria provided, single submitter. Criteria: Quest Diagnostics criteria. Collection method: clinical testing. Allele origin: unknown.

Myriad Genetics, Inc.
Classification: Likely benign for Familial cancer of breast. Last evaluated: 2023-03-08. Review status: criteria provided, single submitter. Criteria: Myriad Autosomal Dominant, Autosomal Recessive and X-Linked Classification Criteria (2023). Collection method: clinical testing. Allele origin: unknown.
Comment: This variant is considered likely benign. This variant is strongly associated with less severe personal and family histories of cancer, typical for individuals without pathogenic variants in this gene [PMID: 25085752].

Fulgent Genetics
Classification: Likely benign for Familial cancer of breast; Colorectal cancer; Familial prostate cancer; Bone osteosarcoma; CHEK2-related cancer predisposition. Last evaluated: 2021-09-29. Review status: criteria provided, single submitter. Criteria: ACMG Guidelines, 2015. Collection method: clinical testing. Allele origin: unknown.

Sema4
Classification: Likely benign for Hereditary cancer-predisposing syndrome. Last evaluated: 2020-10-23. Review status: criteria provided, single submitter. Criteria: Sema4 Curation Guidelines. Collection method: curation. Allele origin: germline.

Women's Health and Genetics/Laboratory Corporation of America, LabCorp
Classification: Benign. Last evaluated: 2018-06-22. Review status: criteria provided, single submitter. Criteria: LabCorp Variant Classification Summary - May 2015. Collection method: clinical testing. Allele origin: germline.
Comment: Variant summary: CHEK2 c.847-10C>G alters a non-conserved nucleotide located close to a canonical splice site and therefore could affect mRNA splicing, leading to a significantly altered protein sequence. 5/5 computational tools predict no significant impact on normal splicing. However, these predictions have yet to be confirmed by functional studies. The observed variant frequency within Latino control individuals in the gnomAD database is approximately 6-folds higher than the estimated maximal expected allele frequency for a pathogenic variant in CHEK2 causing Hereditary Breast and Ovarian Cancer phenotype (0.00031), strongly suggesting that the variant is a benign polymorphism found primarily in populations of Latino origin. The variant, c.847-10C>G, was reported in the literature, however, with limited information (Young_2016). To our knowledge, no experimental evidence demonstrating an impact on protein function has been reported. Four ClinVar submissions from clinical diagnostic laboratories (evaluation after 2014) cite the variant as "likely benign/benign." Based on the evidence outlined above, the variant was classified as benign.

Color Diagnostics, LLC DBA Color Health
Classification: Benign for Hereditary cancer-predisposing syndrome. Last evaluated: 2017-05-29. Review status: criteria provided, single submitter. Criteria: ACMG Guidelines, 2015. Collection method: clinical testing. Allele origin: germline.

PreventionGenetics, part of Exact Sciences
Classification: Benign. Last evaluated: 2017-05-04. Review status: criteria provided, single submitter. Criteria: ACMG Guidelines, 2015. Collection method: clinical testing. Allele origin: germline.

GeneDx
Classification: Benign. Last evaluated: 2015-07-21. Review status: criteria provided, single submitter. Criteria: GeneDx Variant Classification (06012015). Collection method: clinical testing. Allele origin: germline. Affected: yes.
Comment: This variant is considered likely benign or benign based on one or more of the following criteria: it is a conservative change, it occurs at a poorly conserved position in the protein, it is predicted to be benign by multiple in silico algorithms, and/or has population frequency not consistent with disease.

Counsyl
Classification: Likely benign for Familial cancer of breast. Last evaluated: 2016-11-01. Review status: no assertion criteria provided. Collection method: clinical testing. Allele origin: unknown. Not counted in ClinVar's aggregate classification.

Literature cited by the submitters: PubMed 26787654 (cited by Quest Diagnostics Nichols Institute San Juan Capistrano and Women's Health and Genetics/Laboratory Corporation of America, LabCorp); PubMed 25085752 (cited by Myriad Genetics, Inc.).

NM_007194.4(CHEK2):c.847-10C>G

Gene: CHEK2 (checkpoint kinase 2; minus strand). Cytogenetic location: 22q12.1.
Variant type: single nucleotide variant.
Coding change: c.847-10C>G on transcript NM_007194.4 (MANE Select); 10 bases into the intron before coding-DNA position 847, C replaced by G.
Molecular consequence: intron variant.
Genome position (GRCh38, 1-based): chr22:28,703,576, G>C on the plus strand (C>G on the coding strand, the complement: CHEK2 is on the minus strand). VCF-style: chr22-28703576-G-C. GRCh37 (hg19) VCF-style: chr22-29099564-G-C.
Other names: c.184-10C>G (NM_001437942.1, NM_001257387.3); c.646-10C>G (NM_001349956.3); c.847-10C>G (NM_145862.3); c.940-10C>G (NM_001438295.1, NM_001438293.1); c.976-10C>G (NM_001438294.1, NM_001005735.3).
Identifiers: ClinVar variation 240757 (VCV000240757.25), dbSNP rs745745105, ClinGen allele CA10167798.